The following is an entry in ClinVar:

NM_000203.5(IDUA):c.494-198_494-179del

Gene: IDUA (alpha-L-iduronidase; plus strand). Cytogenetic location: 4p16.3.
Variant type: Microsatellite.
Coding change: c.494-198_494-179del on transcript NM_000203.5 (MANE Select); 198 bases into the intron before coding-DNA position 494 through 179 bases into the intron before coding-DNA position 494, 20 bases deleted (ACCCCTATCACCCAGGCCGC).
Molecular consequence: intron variant.
Genome position (GRCh38, 1-based): chr4:1,001,270-1,001,289, ACCCCTATCACCCAGGCCGC deleted; deleting any 20 consecutive bases within chr4:1,001,248-1,001,289 gives the same sequence; the c. name uses the placement nearest the transcript's 3' end. VCF-style (leftmost placement, unchanged base first): chr4-1001247-TGCACCCCTATCACCCAGGCC-T. GRCh37 (hg19) VCF-style: chr4-995035-TGCACCCCTATCACCCAGGCC-T.
Other names: c.98-198_98-179del (NM_001363576.1).
Identifiers: ClinVar variation 680617 (VCV000680617.1), dbSNP rs3832289, ClinGen allele CA91166656.

ClinVar aggregate classification (germline): Benign (1 of 4 stars; one submission).

Submission:

GeneDx
Classification: Benign. Last evaluated: 2018-06-19. Review status: criteria provided, single submitter. Criteria: GeneDx Variant Classification (06012015). Collection method: clinical testing. Allele origin: germline. Affected: yes.
Comment: This variant is considered likely benign or benign based on one or more of the following criteria: it is a conservative change, it occurs at a poorly conserved position in the protein, it is predicted to be benign by multiple in silico algorithms, and/or has population frequency not consistent with disease.